The following is an entry in ClinVar:

ClinVar aggregate classification (germline): Pathogenic/Likely pathogenic. Review status: criteria provided, multiple submitters, no conflicts (2 of 4 stars). 5 submissions from 5 submitters: Pathogenic (3); Likely pathogenic (1). 1 of the submissions does not count toward it. Last evaluated 2025-12-08.

Conditions:
Long QT syndrome (LQTS). Identifiers: MedGen C0023976, MeSH D008133, MONDO:0002442. Disease mechanism: loss of function. Inheritance: Various modes of inheritance.
Long QT syndrome 1 (LQT1). Identifiers: Orphanet 101016, Orphanet 768, MedGen C4551647, MONDO:0100316, OMIM 192500, MONDO:0008646.

Submissions (5):

Labcorp Genetics (formerly Invitae), Labcorp
Classification: Likely pathogenic for Long QT syndrome. Last evaluated: 2025-12-08. Review status: criteria provided, single submitter. Criteria: Invitae Variant Classification Sherloc (09022015). Collection method: clinical testing. Allele origin: germline.
Comment: This variant, c.824_826del, results in the deletion of 1 amino acid(s) of the KCNQ1 protein (p.Phe275del), but otherwise preserves the integrity of the reading frame. This variant is not present in population databases (gnomAD no frequency). This variant has been observed in individuals with clinical features of KCNQ1-related conditions and/or long QT syndrome (PMID: 17655673, 27485560, 31737537; internal data). This variant is also known as ΔF275. Algorithms developed to predict the effect of variants on gene product structure and function are not available or were not evaluated for this variant. Experimental studies have shown that this variant affects KCNQ1 function (PMID: 17655673). In summary, the currently available evidence indicates that the variant is pathogenic, but additional data are needed to prove that conclusively. Therefore, this variant has been classified as Likely Pathogenic.

Dept of Medical Biology, Uskudar University
Classification: Pathogenic for Long QT syndrome. Last evaluated: 2024-01-08. Review status: criteria provided, single submitter. Criteria: Dept of Medical Biology Variant Classification. Collection method: research. Allele origin: maternal. Affected: yes. Observed: 1 variant allele.
Comment: Criteria: PS4_Strong, PS3_Moderate, PM2, PM4

GeneDx
Classification: Pathogenic. Last evaluated: 2019-09-17. Review status: criteria provided, single submitter. Criteria: GeneDx Variant Classification Process June 2021. Collection method: clinical testing. Allele origin: germline. Affected: yes.
Comment: Not observed in large population cohorts (Lek et al., 2016); Reported in ClinVar as pathogenic (ClinVar Variant ID# 53112; Landrum et al., 2016); In-frame deletion of one amino acids in a non-repeat region; In silico analysis, which includes protein predictors and evolutionary conservation, supports a deleterious effect; Published functional studies demonstrate a loss-of-function when expressed in isolation and suggest dominant negative effect when co-expressed with the wildtype protein (Aizawa et al., 2007); This variant is associated with the following publications: (PMID: 31737537, 17655673, 27485560)

MVZ Martinsried, Medicover Genetics
Classification: Pathogenic for Long QT syndrome 1. Last evaluated: 2017-12-15. Review status: criteria provided, single submitter. Criteria: ACMG Guidelines, 2015. Collection method: clinical testing. Allele origin: unknown. Affected: yes.

Institute of Medical Genetics and Genomics, Sir Ganga Ram Hospital
Classification: Pathogenic for Long QT syndrome, LQT1 subtype. Last evaluated: 2012-01-01. Review status: no assertion criteria provided. Collection method: research. Allele origin: germline. Affected: yes. Observed: 1 variant allele. Study: Life Threatening Long QT Syndromes. Not counted in ClinVar's aggregate classification.

Literature cited by the submitters: PubMed 17655673 (cited by Labcorp Genetics (formerly Invitae), Labcorp); PubMed 27485560 (cited by Labcorp Genetics (formerly Invitae), Labcorp and Institute of Medical Genetics and Genomics, Sir Ganga Ram Hospital); PubMed 31737537 (cited by Labcorp Genetics (formerly Invitae), Labcorp).

NM_000218.3(KCNQ1):c.821TCT[1] (p.Phe275del)

Gene: KCNQ1 (potassium voltage-gated channel subfamily Q member 1; plus strand). Cytogenetic location: 11p15.5.
Variant type: Microsatellite.
Coding change: c.821TCT[1] on transcript NM_000218.3 (MANE Select); one copy of the 3-base unit TCT starting at c.821; the reference has two copies in a row; one copy, 3 bases deleted; also written c.824_826del.
Protein change: p.Phe275del; deletes phenylalanine 275.
Molecular consequence: inframe deletion. On other transcripts: inframe indel (4).
Genome position (GRCh38, 1-based): chr11:2,572,889-2,572,891, TCT deleted; deleting any 3 consecutive bases within chr11:2,572,886-2,572,891 gives the same sequence; the position shown is the placement nearest the transcript's 3' end. VCF-style (leftmost placement, unchanged base first): chr11-2572885-ATCT-A. GRCh37 (hg19) VCF-style: chr11-2594115-ATCT-A.
Other names: c.824_826delTCT (NM_000218.2); c.821_823TCT[1], p.Phe275del (NM_001406836.1); c.551_553TCT[1], p.Phe185del (NM_001406837.1); c.440_442TCT[1], p.Phe148del (NM_181798.2); c.824_826del (NM_000218.3); short protein forms F148del, F275del, F185del.
Identifiers: ClinVar variation 53112 (VCV000053112.18), dbSNP rs397508126, ClinGen allele CA008360.
Genomic context (GRCh38, chr11:2,572,885, plus strand): 5'-ACTGTGTGTTTTCTGGCCTAGGAGCTGATAACCACCCTGTACATCGGCTTCCTGGGCCTC[ATCT>A]TCTCCTCGTACTTTGTGTACCTGGCTGAGAAGGACGCGGTGAACGAGTCAGGCCGCGTGG-3'